The following is an entry in ClinVar:

NM_001039141.3(TRIOBP):c.6260del (p.Glu2087fs)

Gene: TRIOBP (TRIO and F-actin binding protein; plus strand). Cytogenetic location: 22q13.1.
Variant type: Deletion.
Coding change: c.6260del on transcript NM_001039141.3 (MANE Select); coding-DNA position 6260, one base deleted (A; older notation c.6260delA).
Protein change: p.Glu2087fs; shifts the reading frame from glutamic acid 2087.
Molecular consequence: frameshift variant.
Genome position (GRCh38, 1-based): chr22:37,759,200, A deleted. VCF-style (leftmost placement, unchanged base first): chr22-37759199-GA-G. GRCh37 (hg19) VCF-style: chr22-38155206-GA-G.
Other names: c.1121del, p.Glu374fs (NM_007032.5, NM_138632.2); short protein forms E2087fs, E374fs.
Identifiers: ClinVar variation 1426470 (VCV001426470.6), dbSNP rs2145871872, ClinGen allele CA2573158181.
Genomic context (GRCh38, chr22:37,759,199, plus strand): 5'-CCTTCTCCCTCGTAGGTTCAGGCTCTTCGGGCCCAGCTGGAGGCGTGGCGTCTCCAAGGG[GA>G]GGCTCCTCAGAGTGCACTGAGATCCCAGGAGGATGGCCACATCCCCCCGGGCTACATCTC-3'

ClinVar aggregate classification (germline): Pathogenic (1 of 4 stars; one submission).

Submission:

Labcorp Genetics (formerly Invitae), Labcorp
Classification: Pathogenic. Last evaluated: 2021-08-02. Review status: criteria provided, single submitter. Criteria: Invitae Variant Classification Sherloc (09022015). Collection method: clinical testing. Allele origin: germline.
Comment: For these reasons, this variant has been classified as Pathogenic. This variant has not been reported in the literature in individuals affected with TRIOBP-related conditions. This variant is not present in population databases (ExAC no frequency). This sequence change creates a premature translational stop signal (p.Glu2087Glyfs*7) in the TRIOBP gene. It is expected to result in an absent or disrupted protein product. Loss-of-function variants in TRIOBP are known to be pathogenic (PMID: 16385457, 16385458, 20510926).

Literature cited by the submitters: PubMed 16385457; PubMed 16385458; PubMed 20510926.